The following is an entry in ClinVar:

ClinVar aggregate classification (germline): Pathogenic (1 of 4 stars; one submission).

Conditions:
Neurofibromatosis, type 1 (NF1). Also called: NEUROFIBROMATOSIS, TYPE I, SOMATIC; Peripheral type neurofibromatosis; Neurofibromatosis, type I; VON RECKLINGHAUSEN DISEASE. Identifiers: Orphanet 636, MedGen C0027831, MONDO:0018975, OMIM 162200. Disease mechanism: loss of function.

Submission:

Labcorp Genetics (formerly Invitae), Labcorp
Classification: Pathogenic for Neurofibromatosis, type 1. Last evaluated: 2024-12-18. Review status: criteria provided, single submitter. Criteria: Invitae Variant Classification Sherloc (09022015). Collection method: clinical testing. Allele origin: germline.
Comment: This sequence change inserts a large fragment of DNA, likely a transposable element, in exon 35 of the NF1 gene (c.4756_4757ins?), causing a frameshift at codon 1586 (p.Phe1586fs). The exact size and sequence of the insertion cannot be determined by the current assay. However, the insertion is expected to result in an absent or disrupted protein product. This variant is not present in population databases (gnomAD no frequency). This variant has not been reported in the literature in individuals affected with NF1-related conditions. Retrotransposon insertions including LINE1 (L1), Alu, and SVA (SINE-VNTR-Alu) have been reported to be disease-causing through disruption of either a coding region or splice site (PMID: 19763152, 20307669, 22406018) and loss-of-function variants in NF1 are known to be pathogenic (PMID: 10712197, 23913538). For these reasons, this variant has been classified as Pathogenic.

Literature cited by the submitters: PubMed 19763152; PubMed 20307669; PubMed 22406018; PubMed 10712197; PubMed 23913538.

NM_001042492.3(NF1):c.4819_4820insTTTTTTTTTTTTTTTTTTTTNNNNNNNNNNGAGCGAGGTGTCCTTGGTGTTTGAGACAGTGAGGATGGTTTGAGTGGTGGTGCTGGCCCCTCAAGGTACCGCGCCCGGCCCCTATTTTTT (p.Tyr1607delinsPhePhePhePhePhePhePheXaaXaaXaaXaaAlaArgCysProTrpCysLeuArgGlnTer)

Gene: NF1 (neurofibromin 1; plus strand). Cytogenetic location: 17q11.2.
Variant type: Insertion.
Coding change: c.4819_4820insTTTTTTTTTTTTTTTTTTTTNNNNNNNNNNGAGCGAGGTGTCCTTGGTGTTTGAGACAGTGAGGATGGTTTGAGTGGTGGTGCTGGCCCCTCAAGGTACCGCGCCCGGCCCCTATTTTTT on transcript NM_001042492.3 (MANE Select); coding-DNA positions 4819 to 4820, TTTTTTTTTTTTTTTTTTTTNNNNNNNNNNGAGCGAGGTGTCCTTGGTGTTTGAGACAGTGAGGATGGTTTGAGTGGTGGTGCTGGCCCCTCAAGGTACCGCGCCCGGCCCCTATTTTTT inserted.
Protein change: p.Tyr1607delinsPhePhePhePhePhePhePheXaaXaaXaaXaaAlaArgCysProTrpCysLeuArgGlnTer.
Molecular consequence: nonsense.
Genome position: GRCh38: chr17:31,265,323-31,265,324. GRCh37 (hg19): chr17:29,592,341-29,592,342.
Other names: c.4756_4757insTTTTTTTTTTTTTTTTTTTTNNNNNNNNNNGAGCGAGGTGTCCTTGGTGTTTGAGACAGTGAGGATGGTTTGAGTGGTGGTGCTGGCCCCTCAAGGTACCGCGCCCGGCCCCTATTTTTT, p.Tyr1586_Leu1920delinsPhePhePhePhePhePhePheXaaXaaXaaXaaAlaArgCysProTrpCysLeuArgGlnTer (NM_000267.4).
Identifiers: ClinVar variation 3727572 (VCV003727572.2).